The following is an entry in ClinVar:

ClinVar aggregate classification (germline): Benign/Likely benign. Review status: criteria provided, multiple submitters, no conflicts (2 of 4 stars). 3 submissions from 3 submitters: Benign (1); Likely benign (2). Last evaluated 2026-02-03.

Conditions:
Diamond-Blackfan anemia. Also called: Blackfan Diamond syndrome; Aregenerative anemia chronic congenital; Red cell aplasia, pure hereditary; Congenital hypoplastic anemia; Aase syndrome. Identifiers: Orphanet 124, MedGen C1260899, MeSH D029503, MONDO:0015253, HP:0004810.

Allele frequency attached by ClinVar (database versions not stated): gnomAD exomes 0.00070 and 0.00029; 1000 Genomes Project 30x 0.00312; 1000 Genomes Project 0.00240; ESP Exome Variant Server 0.00284; gnomAD 0.00247 and 0.00267; TOPMed 0.00292.
gnomAD v4.1: 821 of 1,611,660 alleles (0.051%); highest among the groups gnomAD compares: African/African-American, 0.8%; 4 homozygotes.

Submissions (3):

Labcorp Genetics (formerly Invitae), Labcorp
Classification: Benign for Diamond-Blackfan anemia. Last evaluated: 2026-02-03. Review status: criteria provided, single submitter. Criteria: Invitae Variant Classification Sherloc (09022015). Collection method: clinical testing. Allele origin: germline.

Blueprint Genetics
Classification: Likely benign. Last evaluated: 2024-07-15. Review status: criteria provided, single submitter. Criteria: ACMG Guidelines, 2015. Collection method: clinical testing. Allele origin: germline.

Genetic Services Laboratory, University of Chicago
Classification: Likely benign. Last evaluated: 2020-10-29. Review status: criteria provided, single submitter. Criteria: ACMG Guidelines, 2015. Collection method: clinical testing. Allele origin: germline. Affected: no.
Comment: DNA sequence analysis of the RPL5 gene demonstrated a sequence change in intron 4, c.325-4A>G. This sequence change has been described in the gnomAD database with a frequency of 0.83% in African populations (dbSNP rs183825489). The c.325-4A>G change has been identified in one individual with Diamond-Blackfan anemia (PMID: 29044489). This sequence change is predicted to have a deleterious effect on splicing based on in silico splice prediction programs. The functional significance of this sequence change is not known at present and its contribution to this patient's disease phenotype cannot definitively be determined.

NM_000969.5(RPL5):c.325-4A>G

Genes: DIPK1A (divergent protein kinase domain 1A; minus strand), RPL5 (ribosomal protein L5; plus strand). Cytogenetic location: 1p22.1.
Variant type: single nucleotide variant.
Coding change: c.325-4A>G on transcript NM_000969.5 (MANE Select); 4 bases into the intron before coding-DNA position 325, A replaced by G.
Molecular consequence: intron variant.
Genome position (GRCh38, 1-based): chr1:92,836,186, A>G. VCF-style: chr1-92836186-A-G. GRCh37 (hg19) VCF-style: chr1-93301743-A-G.
Other names: c.475-3152T>C (NM_001252273.2).
Identifiers: ClinVar variation 238198 (VCV000238198.16), dbSNP rs183825489, ClinGen allele CA952447.